The following is an entry in ClinVar:

NM_020738.4(KIDINS220):c.3966G>T (p.Thr1322=)

Gene: KIDINS220 (kinase D interacting substrate 220; minus strand). Cytogenetic location: 2p25.1.
Variant type: single nucleotide variant.
Coding change: c.3966G>T on transcript NM_020738.4 (MANE Select); coding-DNA position 3966, G replaced by T.
Protein change: p.Thr1322=; no amino-acid change (threonine 1322 retained).
Molecular consequence: synonymous variant. On other transcripts: non-coding transcript variant (2).
Genome position (GRCh38, 1-based): chr2:8,733,531, C>A on the plus strand (G>T on the coding strand, the complement: KIDINS220 is on the minus strand). VCF-style: chr2-8733531-C-A. GRCh37 (hg19) VCF-style: chr2-8873661-C-A.
Other names: c.3969G>T, p.Thr1323= (NM_001348729.2); c.3912G>T, p.Thr1304= (NM_001348731.2); c.3909G>T, p.Thr1303= (NM_001348732.2, NM_001348738.2); c.3798G>T, p.Thr1266= (NM_001348734.2, NM_001348739.2, NM_001348740.2); c.3795G>T, p.Thr1265= (NM_001348735.2, NM_001348741.2, NM_001348742.2 and 1 more transcripts); c.3669G>T, p.Thr1223= (NM_001348736.2).
Identifiers: ClinVar variation 4534071 (VCV004534071.6).

ClinVar aggregate classification (germline): Likely benign (1 of 4 stars; one submission).

gnomAD v4.1: 79 of 1,613,978 alleles (0.0049%); highest among the groups gnomAD compares: East Asian, 0.013%; no homozygotes.

Submission:

CeGaT Center for Human Genetics Tuebingen
Classification: Likely benign. Last evaluated: 2025-10-01. Review status: criteria provided, single submitter. Criteria: CeGaT Center For Human Genetics Tuebingen Variant Classification Criteria Version 2. Collection method: clinical testing. Allele origin: germline. Affected: yes. Observed: 1 variant allele.
Comment: KIDINS220: BP4, BP7